The following is an entry in ClinVar:

NM_206933.4(USH2A):c.15091C>T (p.Arg5031Trp)

Gene: USH2A (usherin; minus strand). Cytogenetic location: 1q41.
Variant type: single nucleotide variant.
Coding change: c.15091C>T on transcript NM_206933.4 (MANE Select); coding-DNA position 15091, C replaced by T.
Protein change: p.Arg5031Trp; replaces arginine 5031 with tryptophan.
Molecular consequence: missense variant.
Genome position (GRCh38, 1-based): chr1:215,634,665, G>A on the plus strand (C>T on the coding strand, the complement: USH2A is on the minus strand). VCF-style: chr1-215634665-G-A. GRCh37 (hg19) VCF-style: chr1-215808007-G-A.
Other names: p.R5031W:CGG>TGG; short protein forms R5031W.
Identifiers: ClinVar variation 48455 (VCV000048455.62), dbSNP rs56038610, ClinGen allele CA143384.

ClinVar aggregate classification (germline): Benign/Likely benign. Review status: criteria provided, multiple submitters, no conflicts (2 of 4 stars). 14 submissions from 14 submitters: Benign (8); Likely benign (3). 3 of the submissions do not count toward it. Last evaluated 2026-09-01.

Conditions:
Retinitis pigmentosa 39 (RP39). Identifiers: Orphanet 791, MedGen C3151138, MONDO:0013436, OMIM 613809.
Usher syndrome type 2A. Also called: RETINAL DISEASE IN USHER SYNDROME TYPE IIA, MODIFIER OF; USHER SYNDROME, TYPE IIA. Identifiers: Orphanet 231178, Orphanet 886, MedGen C1848634, MONDO:0010169, OMIM 276901.

Allele frequency attached by ClinVar (database versions not stated): ESP Exome Variant Server 0.01284; ExAC 0.01572; 1000 Genomes Project 30x 0.00687; gnomAD exomes 0.01879 and 0.01560; 1000 Genomes Project 0.00599; TOPMed 0.00952; gnomAD 0.01345 and 0.01377.
gnomAD v4.1: 29,275 of 1,614,150 alleles (1.8%); highest among the groups gnomAD compares: Non-Finnish European, 2%; 343 homozygotes.

Submissions (14):

CeGaT Center for Human Genetics Tuebingen
Classification: Benign. Last evaluated: 2026-09-01. Review status: criteria provided, single submitter. Criteria: CeGaT Center For Human Genetics Tuebingen Variant Classification Criteria Version 2. Collection method: clinical testing. Allele origin: germline. Affected: yes. Observed: 28 variant alleles.
Comment: USH2A: BP4, BS1, BS2

Labcorp Genetics (formerly Invitae), Labcorp
Classification: Benign. Last evaluated: 2026-02-04. Review status: criteria provided, single submitter. Criteria: Invitae Variant Classification Sherloc (09022015). Collection method: clinical testing. Allele origin: germline.

Blueprint Genetics
Classification: Benign. Last evaluated: 2024-11-26. Review status: criteria provided, single submitter. Criteria: ACMG Guidelines, 2015. Collection method: clinical testing. Allele origin: germline.

ARUP Laboratories, Molecular Genetics and Genomics, ARUP Laboratories
Classification: Benign. Last evaluated: 2023-10-06. Review status: criteria provided, single submitter. Criteria: ARUP Molecular Germline Variant Investigation Process 2024. Collection method: clinical testing. Allele origin: germline.

Women's Health and Genetics/Laboratory Corporation of America, LabCorp
Classification: Likely benign. Last evaluated: 2021-12-10. Review status: criteria provided, single submitter. Criteria: LabCorp Variant Classification Summary - May 2015. Collection method: clinical testing. Allele origin: germline.

Genome-Nilou Lab
Classification: Likely benign for Usher syndrome type 2A. Last evaluated: 2021-07-01. Review status: criteria provided, single submitter. Criteria: ACMG Guidelines, 2015. Collection method: clinical testing. Allele origin: germline. Affected: no.

Athena Diagnostics
Classification: Benign. Last evaluated: 2018-09-20. Review status: criteria provided, single submitter. Criteria: Athena Diagnostics Criteria. Collection method: clinical testing. Allele origin: germline.

Eurofins Ntd Llc (ga)
Classification: Benign. Last evaluated: 2017-03-28. Review status: criteria provided, single submitter. Criteria: EGL Classification Definitions 2015. Collection method: clinical testing. Allele origin: germline. Observed: 1 variant allele, 1 heterozygote.

GeneDx
Classification: Benign. Last evaluated: 2014-01-30. Review status: criteria provided, single submitter. Criteria: GeneDx Variant Classification (06012015). Collection method: clinical testing. Allele origin: germline. Affected: yes.
Comment: This variant is considered likely benign or benign based on one or more of the following criteria: it is a conservative change, it occurs at a poorly conserved position in the protein, it is predicted to be benign by multiple in silico algorithms, and/or has population frequency not consistent with disease.

Laboratory for Molecular Medicine, Mass General Brigham Personalized Medicine
Classification: Benign. Last evaluated: 2013-03-07. Review status: criteria provided, single submitter. Criteria: LMM Criteria. Collection method: clinical testing. Allele origin: germline. Observed: 53 variant alleles.
Comment: Arg5031Trp in exon 70 of USH2A: This variant is not expected to have clinical si gnificance because it has been identified in 1.3% (167/12839) of chromosomes fr om a broad population by the NHLBI Exome sequencing project (dbSNP rs56038610) and is reported as benign in Dreyer et al. 200 8.

Breakthrough Genomics
Classification: Likely benign. Review status: criteria provided, single submitter. Criteria: ACMG Guidelines, 2015. Collection method: not provided. Allele origin: germline. Inheritance: Autosomal recessive inheritance. Affected: yes.

Natera, Inc.
Classification: Benign for Usher syndrome type 2A. Last evaluated: 2019-08-29. Review status: no assertion criteria provided. Collection method: clinical testing. Allele origin: germline. Not counted in ClinVar's aggregate classification.

Counsyl
Classification: Likely benign for Usher syndrome type 2A; Retinitis pigmentosa 39. Last evaluated: 2018-06-01. Review status: no assertion criteria provided. Collection method: clinical testing. Allele origin: unknown. Not counted in ClinVar's aggregate classification.

NEI Ophthalmic Genomics Laboratory, National Institutes of Health
No classification provided. Review status: no classification provided. Collection method: not provided. Allele origin: not provided. Not counted in ClinVar's aggregate classification.

Literature cited by the submitters: PubMed 26927203 (cited by Athena Diagnostics and Counsyl); PubMed 18273898 (cited by Laboratory for Molecular Medicine, Mass General Brigham Personalized Medicine); PubMed 21569298 (cited by Counsyl).